The following is an entry in ClinVar:

NM_000406.3(GNRHR):c.845C>T (p.Pro282Leu)

Gene: GNRHR (gonadotropin releasing hormone receptor; minus strand). Cytogenetic location: 4q13.2.
Variant type: single nucleotide variant.
Coding change: c.845C>T on transcript NM_000406.3 (MANE Select); coding-DNA position 845, C replaced by T.
Protein change: p.Pro282Leu; replaces proline 282 with leucine.
Molecular consequence: missense variant. On other transcripts: synonymous variant (1).
Genome position (GRCh38, 1-based): chr4:67,740,622, G>A on the plus strand (C>T on the coding strand, the complement: GNRHR is on the minus strand). VCF-style: chr4-67740622-G-A. GRCh37 (hg19) VCF-style: chr4-68606340-G-A.
Other names: c.717C>T, p.Ser239= (NM_001012763.2); short protein forms P282L.
Identifiers: ClinVar variation 1709893 (VCV001709893.2), dbSNP rs1417516934, ClinGen allele CA357047799.

ClinVar aggregate classification (germline): Likely pathogenic (1 of 4 stars; one submission).

Conditions:
Hypogonadotropic hypogonadism 7 with or without anosmia (HH7). Also called: GNRHR-Related GnRH Deficiency; HYPOGONADOTROPIC HYPOGONADISM 7 WITHOUT ANOSMIA. Identifiers: Orphanet 432, MedGen C0342384, MONDO:0007794, OMIM 146110.

Allele frequency attached by ClinVar (database versions not stated): gnomAD exomes below 0.00001.
gnomAD v4.1: 1 of 1,612,552 alleles (0.000062%); highest among the groups gnomAD compares: South Asian, 0.0011%; no homozygotes.

Submission:

MGZ Medical Genetics Center
Classification: Likely pathogenic for Hypogonadotropic hypogonadism 7 with or without anosmia. Last evaluated: 2021-07-26. Review status: criteria provided, single submitter. Criteria: ACMG Guidelines, 2015. Collection method: clinical testing. Allele origin: germline. Affected: yes. Observed: 1 variant allele.
Comment: ACMG criteria applied: PM3, PM5, PM2_SUP, PP3